The following is an entry in ClinVar:

ClinVar aggregate classification (germline): Likely benign. Review status: criteria provided, multiple submitters, no conflicts (2 of 4 stars). 4 submissions from 4 submitters: Likely benign (4). Last evaluated 2026-06-01.

Conditions:
ATP7B-related disorder. Also called: ATP7B-related condition.
Wilson disease (WND). Also called: Wilson's disease. Identifiers: Orphanet 905, MedGen C0019202, MONDO:0010200, OMIM 277900. Disease mechanism: loss of function.

Allele frequency attached by ClinVar (database versions not stated): ExAC 0.00001; gnomAD 0.00001; gnomAD exomes 0.00001; TOPMed 0.00002.
gnomAD v4.1: 4 of 1,614,022 alleles (0.00025%); highest among the groups gnomAD compares: Admixed American, 0.0067%; no homozygotes.

Submissions (4):

CeGaT Center for Human Genetics Tuebingen
Classification: Likely benign. Last evaluated: 2026-06-01. Review status: criteria provided, single submitter. Criteria: CeGaT Center For Human Genetics Tuebingen Variant Classification Criteria Version 2. Collection method: clinical testing. Allele origin: germline. Affected: yes. Observed: 1 variant allele.
Comment: ATP7B: BP4, BP7

PreventionGenetics, part of Exact Sciences
Classification: Likely benign for ATP7B-related condition. Last evaluated: 2026-05-27. Review status: criteria provided, single submitter. Criteria: ACMG Guidelines, 2015. Collection method: clinical testing. Allele origin: germline.
Comment: This variant is classified as likely benign based on ACMG/AMP sequence variant interpretation guidelines (Richards et al. 2015 PMID: 25741868, with internal and published modifications).

Labcorp Genetics (formerly Invitae), Labcorp
Classification: Likely benign for Wilson disease. Last evaluated: 2026-01-02. Review status: criteria provided, single submitter. Criteria: Invitae Variant Classification Sherloc (09022015). Collection method: clinical testing. Allele origin: germline.

Fulgent Genetics
Classification: Likely benign for Wilson disease. Last evaluated: 2021-10-06. Review status: criteria provided, single submitter. Criteria: ACMG Guidelines, 2015. Collection method: clinical testing. Allele origin: unknown.

NM_000053.4(ATP7B):c.2400C>T (p.Ala800=)

Gene: ATP7B (ATPase copper transporting beta; minus strand). Cytogenetic location: 13q14.3.
Variant type: single nucleotide variant.
Coding change: c.2400C>T on transcript NM_000053.4 (MANE Select); coding-DNA position 2400, C replaced by T.
Protein change: p.Ala800=; no amino-acid change (alanine 800 retained).
Molecular consequence: synonymous variant.
Genome position (GRCh38, 1-based): chr13:51,957,563, G>A on the plus strand (C>T on the coding strand, the complement: ATP7B is on the minus strand). VCF-style: chr13-51957563-G-A. GRCh37 (hg19) VCF-style: chr13-52531699-G-A.
Other names: c.1914C>T, p.Ala638= (NM_001005918.3); c.2067C>T, p.Ala689= (NM_001243182.2); c.2166C>T, p.Ala722= (NM_001330578.2); c.2148C>T, p.Ala716= (NM_001330579.2); c.2400C>T (NM_000053.3).
Identifiers: ClinVar variation 1583674 (VCV001583674.12), dbSNP rs760562006, ClinGen allele CA6989037.